The following is an entry in ClinVar:

ClinVar aggregate classification (germline): Uncertain significance (1 of 4 stars; one submission).

Submission:

Labcorp Genetics (formerly Invitae), Labcorp
Classification: Uncertain significance. Last evaluated: 2023-07-17. Review status: criteria provided, single submitter. Criteria: Invitae Variant Classification Sherloc (09022015). Collection method: clinical testing. Allele origin: germline.
Comment: This sequence change replaces aspartic acid, which is acidic and polar, with asparagine, which is neutral and polar, at codon 126 of the SLC12A6 protein (p.Asp126Asn). This variant is not present in population databases (gnomAD no frequency). This variant has not been reported in the literature in individuals affected with SLC12A6-related conditions. ClinVar contains an entry for this variant (Variation ID: 1484789). Advanced modeling of protein sequence and biophysical properties (such as structural, functional, and spatial information, amino acid conservation, physicochemical variation, residue mobility, and thermodynamic stability) performed at Invitae indicates that this missense variant is not expected to disrupt SLC12A6 protein function. In summary, the available evidence is currently insufficient to determine the role of this variant in disease. Therefore, it has been classified as a Variant of Uncertain Significance.

NM_001365088.1(SLC12A6):c.376G>A (p.Asp126Asn)

Gene: SLC12A6 (solute carrier family 12 member 6; minus strand). Cytogenetic location: 15q14.
Variant type: single nucleotide variant.
Coding change: c.376G>A on transcript NM_001365088.1 (MANE Select); coding-DNA position 376, G replaced by A.
Protein change: p.Asp126Asn; replaces aspartic acid 126 with asparagine.
Molecular consequence: missense variant.
Genome position (GRCh38, 1-based): chr15:34,260,961, C>T on the plus strand (G>A on the coding strand, the complement: SLC12A6 is on the minus strand). VCF-style: chr15-34260961-C-T. GRCh37 (hg19) VCF-style: chr15-34553162-C-T.
Other names: c.199G>A, p.Asp67Asn (NM_001042494.2, NM_001042495.2); c.349G>A, p.Asp117Asn (NM_001042496.2); c.331G>A, p.Asp111Asn (NM_001042497.2); c.223G>A, p.Asp75Asn (NM_005135.2); c.376G>A, p.Asp126Asn (NM_133647.2); short protein forms D67N, D75N, D111N, D117N, D126N.
Identifiers: ClinVar variation 1484789 (VCV001484789.6), dbSNP rs2140777746, ClinGen allele CA391614564.
Genomic context (GRCh38, chr15:34,260,961, plus strand): 5'-TCCATAGTTTTCTCCAAAATATTACCTCAAAGAGTGCCAAATTTTTATCAAAATATTCAT[C>T]TCCTTCTTCATAATTGGAATTATTGAGATAAGCATTTCGAGCTTTCTTATGTCCGTCGTC-3'
Protein context (NP_001352017.1, residues 116-136): YLNNSNYEEG[Asp126Asn]EYFDKNLALF